The following is an entry in ClinVar:

NM_000208.4(INSR):c.2388G>C (p.Arg796Ser)

Gene: INSR (insulin receptor; minus strand). Cytogenetic location: 19p13.2.
Variant type: single nucleotide variant.
Coding change: c.2388G>C on transcript NM_000208.4 (MANE Select); coding-DNA position 2388, G replaced by C.
Protein change: p.Arg796Ser; replaces arginine 796 with serine.
Molecular consequence: missense variant.
Genome position (GRCh38, 1-based): chr19:7,142,970, C>G on the plus strand (G>C on the coding strand, the complement: INSR is on the minus strand). VCF-style: chr19-7142970-C-G. GRCh37 (hg19) VCF-style: chr19-7142981-C-G.
Other names: c.2352G>C, p.Arg784Ser (NM_001079817.3); short protein forms R796S, R784S.
Identifiers: ClinVar variation 549552 (VCV000549552.15), dbSNP rs78433961, ClinGen allele CA9135556.

ClinVar aggregate classification (germline): Conflicting classifications of pathogenicity. Review status: criteria provided, conflicting classifications (1 of 4 stars). 7 submissions from 5 submitters: Uncertain significance (4); Benign (2); Likely benign (1). Last evaluated 2025-07-28.

Conditions:
Monogenic diabetes. Identifiers: Orphanet 183625, MedGen C3888631, MONDO:0015967.
Rabson-Mendenhall syndrome. Also called: MENDENHALL SYNDROME; Pineal hyperplasia AND diabetes mellitus syndrome; Pineal Hyperplasia, Insulin-Resistant Diabetes Mellitus, and Somatic Abnormalities. Identifiers: Orphanet 769, MedGen C0271695, MONDO:0009874, OMIM 262190.
Inborn genetic diseases. Identifiers: MedGen C0950123, MeSH D030342.
Insulin-resistant diabetes mellitus AND acanthosis nigricans. Also called: DIABETES MELLITUS, INSULIN-RESISTANT, WITH ACANTHOSIS NIGRICANS, TYPE A; INSULIN RECEPTOR, DEFECT IN, WITH INSULIN-RESISTANT DIABETES MELLITUS AND ACANTHOSIS NIGRICANS; IRAN, TYPE A; Insulin-resistance syndrome type A; type A insulin resistance. Identifiers: Orphanet 2297, MedGen C0342278, MONDO:0012520, OMIM 610549.
Leprechaunism syndrome. Also called: LEPRECHAUNISM; Donohue syndrome. Identifiers: Orphanet 508, MedGen C0265344, MONDO:0009517, OMIM 246200.
Hyperinsulinism due to INSR deficiency. Also called: Hyperinsulinism due to glutamodehydrogenase deficiency. Identifiers: Orphanet 263458, MedGen C1864952, MONDO:0012381, OMIM 609968.

Allele frequency attached by ClinVar (database versions not stated): TOPMed 0.00026; ExAC 0.00030; gnomAD exomes 0.00030; gnomAD 0.00034 and 0.00036; ESP Exome Variant Server 0.00038.
gnomAD v4.1: 717 of 1,614,052 alleles (0.044%); highest among the groups gnomAD compares: Non-Finnish European, 0.056%; no homozygotes.

Submissions (7):

Labcorp Genetics (formerly Invitae), Labcorp
Classification: Likely benign. Last evaluated: 2025-07-28. Review status: criteria provided, single submitter. Criteria: Invitae Variant Classification Sherloc (09022015). Collection method: clinical testing. Allele origin: germline.

Ambry Genetics
Classification: Uncertain significance for Inborn genetic diseases. Last evaluated: 2021-11-03. Review status: criteria provided, single submitter. Criteria: Ambry Variant Classification Scheme 2023. Collection method: clinical testing. Allele origin: germline.

Fulgent Genetics
Classification: Uncertain significance for Leprechaunism syndrome; Rabson-Mendenhall syndrome; Hyperinsulinism due to INSR deficiency; Insulin-resistant diabetes mellitus AND acanthosis nigricans. Last evaluated: 2018-10-31. Review status: criteria provided, single submitter. Criteria: ACMG Guidelines, 2015. Collection method: clinical testing. Allele origin: unknown.

Illumina Laboratory Services, Illumina
Classification: Benign for Insulin-resistant diabetes mellitus AND acanthosis nigricans. Last evaluated: 2017-04-27. Review status: criteria provided, single submitter. Criteria: ICSL Variant Classification Criteria 13 December 2019. Collection method: clinical testing. Allele origin: germline.
Comment: This variant was observed as part of a predisposition screen in an ostensibly healthy population. A literature search was performed for the gene, cDNA change, and amino acid change (where applicable). No publications were found based on this search. Allele frequency data from public databases was too high to be consistent with this variant causing disease. Therefore, this variant is classified as benign.

Illumina Laboratory Services, Illumina
Classification: Uncertain significance for Leprechaunism syndrome. Last evaluated: 2017-04-27. Review status: criteria provided, single submitter. Criteria: ICSL Variant Classification Criteria 13 December 2019. Collection method: clinical testing. Allele origin: germline.

Illumina Laboratory Services, Illumina
Classification: Benign for Rabson-Mendenhall syndrome. Last evaluated: 2017-04-27. Review status: criteria provided, single submitter. Criteria: ICSL Variant Classification Criteria 13 December 2019. Collection method: clinical testing. Allele origin: germline.
Comment: the same text as in the submission from Illumina Laboratory Services, Illumina above.

Personalized Diabetes Medicine Program, University of Maryland School of Medicine
Classification: Uncertain significance for Monogenic diabetes. Last evaluated: 2017-03-10. Review status: criteria provided, single submitter. Criteria: ACMG Guidelines, 2015. Collection method: research. Allele origin: unknown. Observed: 2 variant alleles, 2 heterozygotes. Study: Personalized Diabetes Medicine Program.
Comment: ACMG Criteria:BP4 (9 predictors)

Literature cited by the submitters: PubMed 26874853 (cited by Ambry Genetics); PubMed 27840822 (cited by Ambry Genetics); PubMed 30663027 (cited by Ambry Genetics).